The following is an entry in ClinVar:

NM_006231.4(POLE):c.5913C>G (p.Asn1971Lys)

Gene: POLE (DNA polymerase epsilon, catalytic subunit; minus strand). Cytogenetic location: 12q24.33.
Variant type: single nucleotide variant.
Coding change: c.5913C>G on transcript NM_006231.4 (MANE Select); coding-DNA position 5913, C replaced by G.
Protein change: p.Asn1971Lys; replaces asparagine 1971 with lysine.
Molecular consequence: missense variant.
Genome position (GRCh38, 1-based): chr12:132,634,277, G>C on the plus strand (C>G on the coding strand, the complement: POLE is on the minus strand). VCF-style: chr12-132634277-G-C. GRCh37 (hg19) VCF-style: chr12-133210863-G-C.
Other names: c.5913C>G (NM_006231.2); short protein forms N1971K.
Identifiers: ClinVar variation 850772 (VCV000850772.10), dbSNP rs532175815, ClinGen allele CA246295398.

ClinVar aggregate classification (germline): Uncertain significance. Review status: criteria provided, multiple submitters, no conflicts (2 of 4 stars). 2 submissions from 2 submitters: Uncertain significance (2). Last evaluated 2023-12-29.

Conditions:
Hereditary cancer-predisposing syndrome. Also called: Tumor predisposition; Neoplastic Syndromes, Hereditary; Hereditary neoplastic syndrome; Hereditary Cancer Syndrome. Identifiers: Orphanet 140162, MedGen C0027672, MeSH D009386, MONDO:0015356.

gnomAD v4.1: 5 of 1,614,176 alleles (0.00031%); highest among the groups gnomAD compares: Non-Finnish European, 0.00042%; no homozygotes.

Submissions (2):

Ambry Genetics
Classification: Uncertain significance for Hereditary cancer-predisposing syndrome. Last evaluated: 2023-12-29. Review status: criteria provided, single submitter. Criteria: Ambry Variant Classification Scheme 2023. Collection method: clinical testing. Allele origin: germline.
Comment: The p.N1971K variant (also known as c.5913C>G), located in coding exon 43 of the POLE gene, results from a C to G substitution at nucleotide position 5913. The asparagine at codon 1971 is replaced by lysine, an amino acid with similar properties. This amino acid position is conserved. In addition, this alteration is predicted to be tolerated by in silico analysis. Since supporting evidence is limited at this time, the clinical significance of this alteration remains unclear.

Labcorp Genetics (formerly Invitae), Labcorp
Classification: Uncertain significance. Last evaluated: 2023-12-10. Review status: criteria provided, single submitter. Criteria: Invitae Variant Classification Sherloc (09022015). Collection method: clinical testing. Allele origin: germline.
Comment: This sequence change replaces asparagine, which is neutral and polar, with lysine, which is basic and polar, at codon 1971 of the POLE protein (p.Asn1971Lys). This variant is not present in population databases (gnomAD no frequency). This variant has not been reported in the literature in individuals affected with POLE-related conditions. ClinVar contains an entry for this variant (Variation ID: 850772). Advanced modeling of protein sequence and biophysical properties (such as structural, functional, and spatial information, amino acid conservation, physicochemical variation, residue mobility, and thermodynamic stability) performed at Invitae indicates that this missense variant is not expected to disrupt POLE protein function with a negative predictive value of 80%. In summary, the available evidence is currently insufficient to determine the role of this variant in disease. Therefore, it has been classified as a Variant of Uncertain Significance.